The following is an entry in ClinVar:

ClinVar aggregate classification (germline): Conflicting classifications of pathogenicity. Review status: criteria provided, conflicting classifications (1 of 4 stars). 4 submissions from 4 submitters: Uncertain significance (1); Likely benign (3). Last evaluated 2026-02-02.

Conditions:
EYS-related disorder. Also called: EYS-related condition.

Allele frequency attached by ClinVar (database versions not stated): gnomAD 0.00001 and 0.00005; TOPMed 0.00001; gnomAD exomes 0.00002 and 0.00005; 1000 Genomes Project 0.00020; 1000 Genomes Project 30x 0.00031.
gnomAD v4.1: 47 of 1,551,292 alleles (0.003%); highest among the groups gnomAD compares: East Asian, 0.029%; no homozygotes.

Submissions (4):

Labcorp Genetics (formerly Invitae), Labcorp
Classification: Likely benign. Last evaluated: 2026-02-02. Review status: criteria provided, single submitter. Criteria: Invitae Variant Classification Sherloc (09022015). Collection method: clinical testing. Allele origin: germline.

PreventionGenetics, part of Exact Sciences
Classification: Likely benign for EYS-related condition. Last evaluated: 2025-05-29. Review status: criteria provided, single submitter. Criteria: ACMG Guidelines, 2015. Collection method: clinical testing. Allele origin: germline.
Comment: This variant is classified as likely benign based on ACMG/AMP sequence variant interpretation guidelines (Richards et al. 2015 PMID: 25741868, with internal and published modifications).

Blueprint Genetics
Classification: Likely benign. Last evaluated: 2024-05-30. Review status: criteria provided, single submitter. Criteria: ACMG Guidelines, 2015. Collection method: clinical testing. Allele origin: germline.

Eurofins Ntd Llc (ga)
Classification: Uncertain significance. Last evaluated: 2016-11-18. Review status: criteria provided, single submitter. Criteria: EGL Classification Definitions 2015. Collection method: clinical testing. Allele origin: germline. Observed: 1 variant allele, 1 heterozygote.

NM_001142800.2(EYS):c.5487A>G (p.Lys1829=)

Gene: EYS (EGF-like photoreceptor maintenance factor; minus strand). Cytogenetic location: 6q12.
Variant type: single nucleotide variant.
Coding change: c.5487A>G on transcript NM_001142800.2 (MANE Select); coding-DNA position 5487, A replaced by G.
Protein change: p.Lys1829=; no amino-acid change (lysine 1829 retained).
Molecular consequence: synonymous variant.
Genome position (GRCh38, 1-based): chr6:64,590,380, T>C on the plus strand (A>G on the coding strand, the complement: EYS is on the minus strand). VCF-style: chr6-64590380-T-C. GRCh37 (hg19) VCF-style: chr6-65300273-T-C.
Other names: c.5487A>G (NM_001142800.1); c.5487A>G, p.Lys1829= (NM_001292009.2).
Identifiers: ClinVar variation 498301 (VCV000498301.11), dbSNP rs373872866, ClinGen allele CA140340866.
Genomic context (GRCh38, chr6:64,590,380, plus strand): 5'-CTGATATTGCACACTAGGCTGAAGTTCCCATTTGGACCATTCTGAAGAAGTCTTGACCTC[T>C]TTTTTAAGAGAGGTCATATAATCTGTAAAATATGGCCAATCTGGCCTAATTACAGACATG-3'
Protein context (NP_001136272.1, residues 1819-1839): YFTDYMTSLK[Lys1829=]EVKTSSEWSK